The following is an entry in ClinVar:

ClinVar aggregate classification (germline): Pathogenic. Review status: criteria provided, multiple submitters, no conflicts (2 of 4 stars). 2 submissions from 2 submitters: Pathogenic (2). Last evaluated 2024-04-11.

Conditions:
Familial adenomatous polyposis 1 (FAP1). Also called: POLYPOSIS, ADENOMATOUS INTESTINAL; FAMILIAL ADENOMATOUS POLYPOSIS 1, ATTENUATED. Identifiers: MedGen C2713442, MONDO:0021056, OMIM 175100. Disease mechanism: loss of function.

Submissions (2):

Labcorp Genetics (formerly Invitae), Labcorp
Classification: Pathogenic for Familial adenomatous polyposis 1. Last evaluated: 2024-04-11. Review status: criteria provided, single submitter. Criteria: Invitae Variant Classification Sherloc (09022015). Collection method: clinical testing. Allele origin: germline.
Comment: This sequence change creates a premature translational stop signal (p.Asp1394Glufs*3) in the APC gene. While this is not anticipated to result in nonsense mediated decay, it is expected to disrupt the last 1450 amino acid(s) of the APC protein. This variant is not present in population databases (gnomAD no frequency). This variant has not been reported in the literature in individuals affected with APC-related conditions. ClinVar contains an entry for this variant (Variation ID: 2583540). This variant is expected to disrupt the EB1 and HDLG binding sites, which mediate interactions with the cytoskeleton (PMID: 15311282, 17293347). While functional studies have not been performed to directly test the effect on APC protein function, this suggests that disruption of the C-terminal portion of the protein is functionally important. A different truncation (p.Tyr2645Lysfs*14) that lies downstream of this variant has been determined to be pathogenic (PMID: 9824584, 1316610, 27081525, 8381579, 22135120, Invitae). This suggests that deletion of this region of the APC protein is causative of disease. For these reasons, this variant has been classified as Pathogenic.

Myriad Genetics, Inc.
Classification: Pathogenic for Familial adenomatous polyposis 1. Last evaluated: 2023-05-10. Review status: criteria provided, single submitter. Criteria: Myriad Autosomal Dominant, Autosomal Recessive and X-Linked Classification Criteria (2023). Collection method: clinical testing. Allele origin: unknown.
Comment: This variant is considered pathogenic. This variant creates a frameshift predicted to result in premature protein truncation.

Literature cited by the submitters: PubMed 15311282 (cited by Labcorp Genetics (formerly Invitae), Labcorp); PubMed 17293347 (cited by Labcorp Genetics (formerly Invitae), Labcorp); PubMed 9824584 (cited by Labcorp Genetics (formerly Invitae), Labcorp); PubMed 1316610 (cited by Labcorp Genetics (formerly Invitae), Labcorp); PubMed 27081525 (cited by Labcorp Genetics (formerly Invitae), Labcorp); PubMed 8381579 (cited by Labcorp Genetics (formerly Invitae), Labcorp); PubMed 22135120 (cited by Labcorp Genetics (formerly Invitae), Labcorp).

NM_000038.6(APC):c.4182_4183del (p.Asp1394fs)

Gene: APC (APC regulator of Wnt signaling pathway; plus strand). Cytogenetic location: 5q22.2.
Variant type: Deletion.
Coding change: c.4182_4183del on transcript NM_000038.6 (MANE Select); coding-DNA positions 4182 to 4183, 2 bases deleted (TA; older notation c.4182_4183delTA).
Protein change: p.Asp1394fs; shifts the reading frame from aspartic acid 1394.
Molecular consequence: frameshift variant. On other transcripts: non-coding transcript variant (2).
Genome position (GRCh38, 1-based): chr5:112,839,776-112,839,777, TA deleted; deleting any 2 consecutive bases within chr5:112,839,775-112,839,777 gives the same sequence; the c. name uses the placement nearest the transcript's 3' end. VCF-style (leftmost placement, unchanged base first): chr5-112839774-GAT-G. GRCh37 (hg19) VCF-style: chr5-112175471-GAT-G.
Other names: c.4236_4237del, p.Asp1412fs (NM_001407447.1, NM_001407448.1, NM_001407449.1 and 1 more transcripts); c.4182_4183del, p.Asp1394fs (NM_001407450.1, NM_001127510.3, NM_001354895.2); c.4161_4162del, p.Asp1387fs (NM_001407451.1); c.4152_4153del, p.Asp1384fs (NM_001407452.1); c.4005_4006del, p.Asp1335fs (NM_001407453.1, NM_001354901.2); c.3933_3934del, p.Asp1311fs (NM_001407454.1, NM_001407455.1, NM_001407456.1 and 1 more transcripts); c.3879_3880del, p.Asp1293fs (NM_001407458.1, NM_001407459.1, NM_001407460.1 and 1 more transcripts); c.3795_3796del, p.Asp1265fs (NM_001407467.1, NM_001407469.1); and 11 more; short protein forms D1010fs, D1111fs, D1234fs, D1265fs, D1268fs, D1293fs, D1303fs, D1311fs.
Identifiers: ClinVar variation 2583540 (VCV002583540.3), dbSNP rs2533554981, ClinGen allele CA645543767.